The following is an entry in ClinVar:

ClinVar aggregate classification (germline): Likely benign. Review status: criteria provided, single submitter (1 of 4 stars). 2 submissions from 2 submitters: Likely benign (1). 1 of the submissions does not count toward it. Last evaluated 2023-02-10.

Conditions:
SARS2-related disorder. Also called: SARS2-related condition.

Allele frequency attached by ClinVar (database versions not stated): gnomAD 0.00001; ExAC 0.00002.
gnomAD v4.1: 17 of 1,614,004 alleles (0.0011%); highest among the groups gnomAD compares: South Asian, 0.018%; no homozygotes.

Submissions (2):

Labcorp Genetics (formerly Invitae), Labcorp
Classification: Likely benign. Last evaluated: 2023-02-10. Review status: criteria provided, single submitter. Criteria: Invitae Variant Classification Sherloc (09022015). Collection method: clinical testing. Allele origin: germline.

PreventionGenetics, part of Exact Sciences
Classification: Likely benign for SARS2-related condition. Last evaluated: 2019-05-24. Review status: no assertion criteria provided. Collection method: clinical testing. Allele origin: germline. Not counted in ClinVar's aggregate classification.
Comment: This variant is classified as likely benign based on ACMG/AMP sequence variant interpretation guidelines (Richards et al. 2015 PMID: 25741868, with internal and published modifications).

NM_017827.4(SARS2):c.120C>T (p.Asn40=)

Genes: SARS2 (seryl-tRNA synthetase 2, mitochondrial; minus strand), LOC130064387 (ATAC-STARR-seq lymphoblastoid active region 14604; plus strand). Cytogenetic location: 19q13.2.
Variant type: single nucleotide variant.
Coding change: c.120C>T on transcript NM_017827.4 (MANE Select); coding-DNA position 120, C replaced by T.
Protein change: p.Asn40=; no amino-acid change (asparagine 40 retained).
Molecular consequence: synonymous variant.
Genome position (GRCh38, 1-based): chr19:38,930,617, G>A on the plus strand (C>T on the coding strand, the complement: SARS2 is on the minus strand). VCF-style: chr19-38930617-G-A. GRCh37 (hg19) VCF-style: chr19-39421257-G-A.
Other names: c.120C>T (NM_017827.3); c.120C>T, p.Asn40= (NM_001145901.2).
Identifiers: ClinVar variation 2899250 (VCV002899250.5), dbSNP rs766448244, ClinGen allele CA9423347.